The following is an entry in ClinVar:

NM_004961.4(GABRE):c.937+6A>T

Gene: GABRE (gamma-aminobutyric acid type A receptor subunit epsilon; minus strand). Cytogenetic location: Xq28.
Variant type: single nucleotide variant.
Coding change: c.937+6A>T on transcript NM_004961.4 (MANE Select); 6 bases into the intron after coding-DNA position 937, A replaced by T.
Molecular consequence: intron variant.
Genome position (GRCh38, 1-based): chrX:151,955,702, T>A on the plus strand (A>T on the coding strand, the complement: GABRE is on the minus strand). VCF-style: chrX-151955702-T-A. GRCh37 (hg19) VCF-style: chrX-151124174-T-A.
Identifiers: ClinVar variation 2661660 (VCV002661660.24), dbSNP rs745335766, ClinGen allele CA10542459.

ClinVar aggregate classification (germline): Likely benign (1 of 4 stars; one submission).

Allele frequency attached by ClinVar (database versions not stated): TOPMed 0.00004; gnomAD exomes 0.00006; ExAC 0.00007; gnomAD 0.00008.
gnomAD v4.1: 75 of 1,209,983 alleles (0.0062%); highest among the groups gnomAD compares: Non-Finnish European, 0.002%; no homozygotes.

Submission:

CeGaT Center for Human Genetics Tuebingen
Classification: Likely benign. Last evaluated: 2023-02-01. Review status: criteria provided, single submitter. Criteria: CeGaT Center For Human Genetics Tuebingen Variant Classification Criteria Version 2. Collection method: clinical testing. Allele origin: germline. Affected: yes. Observed: 1 variant allele.
Comment: GABRE: BP4, BS2